The following is an entry in ClinVar:

ClinVar aggregate classification (germline): Uncertain significance (1 of 4 stars; one submission).

gnomAD v4.1: 4 of 1,613,694 alleles (0.00025%); highest among the groups gnomAD compares: Non-Finnish European, 0.00034%; no homozygotes.

Submission:

Labcorp Genetics (formerly Invitae), Labcorp
Classification: Uncertain significance. Last evaluated: 2025-04-14. Review status: criteria provided, single submitter. Criteria: Invitae Variant Classification Sherloc (09022015). Collection method: clinical testing. Allele origin: germline.
Comment: This sequence change replaces alanine, which is neutral and non-polar, with valine, which is neutral and non-polar, at codon 180 of the CLCN7 protein (p.Ala180Val). This variant is present in population databases (no rsID available, gnomAD 0.002%). This variant has not been reported in the literature in individuals affected with CLCN7-related conditions. Invitae Evidence Modeling of protein sequence and biophysical properties (such as structural, functional, and spatial information, amino acid conservation, physicochemical variation, residue mobility, and thermodynamic stability) indicates that this missense variant is not expected to disrupt CLCN7 protein function with a negative predictive value of 95%. In summary, the available evidence is currently insufficient to determine the role of this variant in disease. Therefore, it has been classified as a Variant of Uncertain Significance.

NM_001287.6(CLCN7):c.539C>T (p.Ala180Val)

Gene: CLCN7 (Cl-/H+ antiporter 7; minus strand). Cytogenetic location: 16p13.3.
Variant type: single nucleotide variant.
Coding change: c.539C>T on transcript NM_001287.6 (MANE Select); coding-DNA position 539, C replaced by T.
Protein change: p.Ala180Val; replaces alanine 180 with valine.
Molecular consequence: missense variant.
Genome position (GRCh38, 1-based): chr16:1,460,473, G>A on the plus strand (C>T on the coding strand, the complement: CLCN7 is on the minus strand). VCF-style: chr16-1460473-G-A. GRCh37 (hg19) VCF-style: chr16-1510474-G-A.
Other names: c.467C>T, p.Ala156Val (NM_001114331.3); short protein forms A156V, A180V.
Identifiers: ClinVar variation 4810079 (VCV004810079.1).